The following is an entry in ClinVar:

NM_001429.4(EP300):c.156A>G (p.Glu52=)

Gene: EP300 (EP300 lysine acetyltransferase; plus strand). Cytogenetic location: 22q13.2.
Variant type: single nucleotide variant.
Coding change: c.156A>G on transcript NM_001429.4 (MANE Select); coding-DNA position 156, A replaced by G.
Protein change: p.Glu52=; no amino-acid change (glutamic acid 52 retained).
Molecular consequence: synonymous variant.
Genome position (GRCh38, 1-based): chr22:41,117,248, A>G. VCF-style: chr22-41117248-A-G. GRCh37 (hg19) VCF-style: chr22-41513252-A-G.
Other names: c.156A>G, p.Glu52= (NM_001362843.2); c.156A>G (NM_001429.3).
Identifiers: ClinVar variation 1977491 (VCV001977491.6), dbSNP rs1440053697, ClinGen allele CA514792705.

ClinVar aggregate classification (germline): Benign. Review status: criteria provided, single submitter (1 of 4 stars). 2 submissions from 2 submitters: Benign (1). 1 of the submissions does not count toward it. Last evaluated 2024-01-22.

Conditions:
EP300-related disorder. Also called: EP300-related condition; EP300-related disorders.
Rubinstein-Taybi syndrome due to EP300 haploinsufficiency. Also called: EP300-Related Rubinstein-Taybi Syndrome; RUBINSTEIN-TAYBI SYNDROME 2. Identifiers: Orphanet 353284, Orphanet 783, MedGen C3150941, MONDO:0013364, OMIM 613684.

Allele frequency attached by ClinVar (database versions not stated): gnomAD exomes 0.00002.
gnomAD v4.1: 23 of 1,614,204 alleles (0.0014%); highest among the groups gnomAD compares: Non-Finnish European, 0.0019%; no homozygotes.

Submissions (2):

Labcorp Genetics (formerly Invitae), Labcorp
Classification: Benign for Rubinstein-Taybi syndrome due to EP300 haploinsufficiency. Last evaluated: 2024-01-22. Review status: criteria provided, single submitter. Criteria: Invitae Variant Classification Sherloc (09022015). Collection method: clinical testing. Allele origin: germline.

PreventionGenetics, part of Exact Sciences
Classification: Likely benign for EP300-related condition. Last evaluated: 2024-04-18. Review status: no assertion criteria provided. Collection method: clinical testing. Allele origin: germline. Not counted in ClinVar's aggregate classification.
Comment: This variant is classified as likely benign based on ACMG/AMP sequence variant interpretation guidelines (Richards et al. 2015 PMID: 25741868, with internal and published modifications).